The following is an entry in ClinVar:

NM_000642.3(AGL):c.4119_4120del (p.Cys1373_Asp1374delinsTer)

Gene: AGL (amylo-alpha-1,6-glucosidase and 4-alpha-glucanotransferase; plus strand). Cytogenetic location: 1p21.2.
Variant type: Microsatellite.
Coding change: c.4119_4120del on transcript NM_000642.3 (MANE Select); coding-DNA positions 4119 to 4120, 2 bases deleted (TG; older notation c.4119_4120delTG).
Protein change: p.Cys1373_Asp1374delinsTer.
Molecular consequence: nonsense.
Genome position (GRCh38, 1-based): chr1:99,913,696-99,913,697, TG deleted; deleting any 2 consecutive bases within chr1:99,913,693-99,913,697 gives the same sequence; the c. name uses the placement nearest the transcript's 3' end. VCF-style (leftmost placement, unchanged base first): chr1-99913692-GGT-G. GRCh37 (hg19) VCF-style: chr1-100379248-GGT-G.
Other names: c.4119_4120del, p.Cys1373_Asp1374delinsTer (NM_000028.3, NM_000643.3, NM_000644.3 and 1 more transcripts); c.4071_4072del, p.Cys1357_Asp1358delinsTer (NM_000646.3); c.4098_4099del, p.Cys1366_Asp1367delinsTer (NM_001425326.1); c.3918_3919del, p.Cys1306_Asp1307delinsTer (NM_001425327.1); c.3915_3916del, p.Cys1305_Asp1306delinsTer (NM_001425328.1); c.3780_3781del, p.Cys1260_Asp1261delinsTer (NM_001425329.1); c.3741_3742del, p.Cys1247_Asp1248delinsTer (NM_001425332.1).
Identifiers: ClinVar variation 3644731 (VCV003644731.2).

ClinVar aggregate classification (germline): Pathogenic (1 of 4 stars; one submission).

Conditions:
Glycogen storage disease type III (GSD3). Also called: FORBES DISEASE; Cori disease. Identifiers: Orphanet 366, MedGen C0017922, MONDO:0009291, OMIM 232400.

Submission:

Labcorp Genetics (formerly Invitae), Labcorp
Classification: Pathogenic for Glycogen storage disease type III. Last evaluated: 2024-03-06. Review status: criteria provided, single submitter. Criteria: Invitae Variant Classification Sherloc (09022015). Collection method: clinical testing. Allele origin: germline.
Comment: This sequence change creates a premature translational stop signal (p.Cys1373*) in the AGL gene. It is expected to result in an absent or disrupted protein product. Loss-of-function variants in AGL are known to be pathogenic (PMID: 19299494). This variant is not present in population databases (gnomAD no frequency). This variant has not been reported in the literature in individuals affected with AGL-related conditions. For these reasons, this variant has been classified as Pathogenic.

Literature cited by the submitters: PubMed 19299494.